The following is an entry in ClinVar:

ClinVar aggregate classification (germline): Uncertain significance (1 of 4 stars; one submission).

Submission:

Labcorp Genetics (formerly Invitae), Labcorp
Classification: Uncertain significance. Last evaluated: 2022-08-20. Review status: criteria provided, single submitter. Criteria: Invitae Variant Classification Sherloc (09022015). Collection method: clinical testing. Allele origin: germline.
Comment: In summary, the available evidence is currently insufficient to determine the role of this variant in disease. Therefore, it has been classified as a Variant of Uncertain Significance. This variant has not been reported in the literature in individuals affected with PLA2G4A-related conditions. A copy number gain of the genomic region encompassing the full coding sequence of the PLA2G4A gene has been identified. The boundaries of this event are unknown as they extend beyond the assayed region for this gene and therefore may encompass additional genes. As the precise location of this event is unknown, it may be in tandem or it may be located elsewhere in the genome.

NC_000001.10:g.(?_185703912)_(186957640_?)dup

Genes: ODR4 (odr-4 GPCR localization factor homolog; plus strand), PDC (phosducin; minus strand), PLA2G4A (phospholipase A2 group IVA; plus strand), HMCN1 (hemicentin 1; plus strand), OCLM (oculomedin; plus strand) and 3 more. Cytogenetic location: 1q25.3-31.1.
Variant type: Duplication.
Identifiers: ClinVar variation 2426819 (VCV002426819.4).